The following is an entry in ClinVar:

NM_002485.5(NBN):c.72C>T (p.Tyr24=)

Gene: NBN (nibrin; minus strand). Cytogenetic location: 8q21.3.
Variant type: single nucleotide variant.
Coding change: c.72C>T on transcript NM_002485.5 (MANE Select); coding-DNA position 72, C replaced by T.
Protein change: p.Tyr24=; no amino-acid change (tyrosine 24 retained).
Molecular consequence: synonymous variant. On other transcripts: 5 prime UTR variant (1).
Genome position (GRCh38, 1-based): chr8:89,982,821, G>A on the plus strand (C>T on the coding strand, the complement: NBN is on the minus strand). VCF-style: chr8-89982821-G-A. GRCh37 (hg19) VCF-style: chr8-90995049-G-A.
Other names: c.-225C>T (NM_001024688.3).
Identifiers: ClinVar variation 516369 (VCV000516369.14), dbSNP rs1001590969, ClinGen allele CA181281149.
Genomic context (GRCh38, chr8:89,982,821, plus strand): 5'-ATTTCGGCTGATCGACTGATCATTTTCAATCAGAATGGCACAGTTTTTCCTTCCAACAAC[G>A]TACTCAACGCCAGTCAAAAGTCTGTATGGTTCTCCTGAGATAAATTTTTTTTTAAAAAAA-3'
Protein context (NP_002476.2, residues 14-34): EPYRLLTGVE[Tyr24=]VVGRKNCAIL

ClinVar aggregate classification (germline): Likely benign. Review status: criteria provided, multiple submitters, no conflicts (2 of 4 stars). 3 submissions from 3 submitters: Likely benign (3). Last evaluated 2025-09-02.

Conditions:
Hereditary cancer-predisposing syndrome. Also called: Neoplastic Syndromes, Hereditary; Tumor predisposition; Hereditary Cancer Syndrome; Hereditary neoplastic syndrome. Identifiers: Orphanet 140162, MedGen C0027672, MeSH D009386, MONDO:0015356.
Microcephaly, normal intelligence and immunodeficiency (NBS). Also called: Nijmegen breakage syndrome; Microcephaly with normal intelligence immunodeficiency and lymphoreticular malignancies; Nonsyndromal microcephaly autosomal recessive with normal intelligence; Seemanova syndrome 2; Immunodeficiency, microcephaly with normal intelligence; SEEMANOVA SYNDROME II. Identifiers: Orphanet 647, MedGen C0398791, MONDO:0009623, OMIM 251260.

Allele frequency attached by ClinVar (database versions not stated): gnomAD exomes below 0.00001 and 0.00001; TOPMed 0.00001.
gnomAD v4.1: 3 of 1,613,316 alleles (0.00019%); highest among the groups gnomAD compares: East Asian, 0.0045%; no homozygotes.

Submissions (3):

Labcorp Genetics (formerly Invitae), Labcorp
Classification: Likely benign for Microcephaly, normal intelligence and immunodeficiency. Last evaluated: 2025-09-02. Review status: criteria provided, single submitter. Criteria: Invitae Variant Classification Sherloc (09022015). Collection method: clinical testing. Allele origin: germline.

GeneDx
Classification: Likely benign. Last evaluated: 2017-08-31. Review status: criteria provided, single submitter. Criteria: GeneDx Variant Classification (06012015). Collection method: clinical testing. Allele origin: germline. Affected: yes.
Comment: This variant is considered likely benign or benign based on one or more of the following criteria: it is a conservative change, it occurs at a poorly conserved position in the protein, it is predicted to be benign by multiple in silico algorithms, and/or has population frequency not consistent with disease.

Ambry Genetics
Classification: Likely benign for Hereditary cancer-predisposing syndrome. Last evaluated: 2015-10-06. Review status: criteria provided, single submitter. Criteria: Ambry Variant Classification Scheme 2023. Collection method: clinical testing. Allele origin: germline.